The following is an entry in ClinVar:

ClinVar aggregate classification (germline): Likely benign (1 of 4 stars; one submission).

Conditions:
NDUFS1-related disorder. Also called: NDUFS1-related condition.

gnomAD v4.1: 14 of 1,611,798 alleles (0.00087%); highest among the groups gnomAD compares: Non-Finnish European, 0.0012%; no homozygotes.

Submission:

PreventionGenetics, part of Exact Sciences
Classification: Likely benign for NDUFS1-related condition. Last evaluated: 2026-08-13. Review status: criteria provided, single submitter. Criteria: ACMG Guidelines, 2015. Collection method: clinical testing. Allele origin: germline.
Comment: This variant is classified as likely benign based on ACMG/AMP sequence variant interpretation guidelines (Richards et al. 2015 PMID: 25741868, with internal and published modifications).

NM_005006.7(NDUFS1):c.969C>G (p.Leu323=)

Gene: NDUFS1 (NADH:ubiquinone oxidoreductase core subunit S1; minus strand). Cytogenetic location: 2q33.3.
Variant type: single nucleotide variant.
Coding change: c.969C>G on transcript NM_005006.7 (MANE Select); coding-DNA position 969, C replaced by G.
Protein change: p.Leu323=; no amino-acid change (leucine 323 retained).
Molecular consequence: synonymous variant.
Genome position (GRCh38, 1-based): chr2:206,144,036, G>C on the plus strand (C>G on the coding strand, the complement: NDUFS1 is on the minus strand). VCF-style: chr2-206144036-G-C. GRCh37 (hg19) VCF-style: chr2-207008760-G-C.
Other names: c.861C>G, p.Leu287= (NM_001199981.2); c.636C>G, p.Leu212= (NM_001199982.2); c.798C>G, p.Leu266= (NM_001199983.2); c.1011C>G, p.Leu337= (NM_001199984.2).
Identifiers: ClinVar variation 4989180 (VCV004989180.1).